The following is an entry in ClinVar:

NM_003590.5(CUL3):c.*2272T>C

Gene: CUL3 (cullin 3; minus strand). Cytogenetic location: 2q36.2.
Variant type: single nucleotide variant.
Coding change: c.*2272T>C on transcript NM_003590.5 (MANE Select); 2272 bases downstream of the stop codon, T replaced by C.
Molecular consequence: 3 prime UTR variant.
Genome position (GRCh38, 1-based): chr2:224,471,973, A>G on the plus strand (T>C on the coding strand, the complement: CUL3 is on the minus strand). VCF-style: chr2-224471973-A-G. GRCh37 (hg19) VCF-style: chr2-225336690-A-G.
Other names: c.*2272T>C (NM_001257197.2, NM_001257198.2).
Identifiers: ClinVar variation 334599 (VCV000334599.37), dbSNP rs556914502, ClinGen allele CA10612582.

ClinVar aggregate classification (germline): Conflicting classifications of pathogenicity. Review status: criteria provided, conflicting classifications (1 of 4 stars). 2 submissions from 2 submitters: Uncertain significance (1); Benign (1). Last evaluated 2022-07-01.

Conditions:
Pseudohypoaldosteronism type 2E (PHA2E). Also called: Pseudohypoaldosteronism Type IIE. Identifiers: Orphanet 300530, Orphanet 757, MedGen C3469606, MONDO:0013782, OMIM 614496.

Allele frequency attached by ClinVar (database versions not stated): 1000 Genomes Project 0.00020; 1000 Genomes Project 30x 0.00031; gnomAD exomes 0.00077; gnomAD 0.00109 and 0.00132; TOPMed 0.00148.
gnomAD v4.1: 250 of 231,192 alleles (0.11%); highest among the groups gnomAD compares: Admixed American, 0.54%; no homozygotes.

Submissions (2):

CeGaT Center for Human Genetics Tuebingen
Classification: Benign. Last evaluated: 2022-07-01. Review status: criteria provided, single submitter. Criteria: CeGaT Center For Human Genetics Tuebingen Variant Classification Criteria Version 2. Collection method: clinical testing. Allele origin: germline. Affected: yes. Observed: 1 variant allele.
Comment: CUL3: BS1, BS2

Illumina Laboratory Services, Illumina
Classification: Uncertain significance for Pseudohypoaldosteronism type 2E. Last evaluated: 2018-01-13. Review status: criteria provided, single submitter. Criteria: ICSL Variant Classification Criteria 13 December 2019. Collection method: clinical testing. Allele origin: germline.